The following is an entry in ClinVar:

NM_001148.6(ANK2):c.7902G>A (p.Val2634=)

Genes: ANK2 (ankyrin 2; plus strand), LOC126807137 (CDK7 strongly-dependent group 2 enhancer GRCh37_chr4:114276560-114277759; plus strand). Cytogenetic location: 4q26.
Variant type: single nucleotide variant.
Coding change: c.7902G>A on transcript NM_001148.6 (MANE Select); coding-DNA position 7902, G replaced by A.
Protein change: p.Val2634=; no amino-acid change (valine 2634 retained).
Molecular consequence: synonymous variant. On other transcripts: intron variant (68).
Genome position (GRCh38, 1-based): chr4:113,356,520, G>A. VCF-style: chr4-113356520-G-A. GRCh37 (hg19) VCF-style: chr4-114277676-G-A.
Other names: c.7668G>A, p.Val2556= (NM_001386142.1); c.4302G>A, p.Val1434= (NM_001386166.1); c.8043G>A, p.Val2681= (NM_001386174.1); c.8019G>A, p.Val2673= (NM_001386175.1); c.4412-4303G>A (NM_001386186.2, NM_001386148.2); c.4214-4303G>A (NM_001354269.3); c.4292-4303G>A (NM_001386187.2); c.4253-4303G>A (NM_001386147.1); and 36 more.
Identifiers: ClinVar variation 215488 (VCV000215488.55), dbSNP rs150878494, ClinGen allele CA338411.

ClinVar aggregate classification (germline): Benign/Likely benign. Review status: criteria provided, multiple submitters, no conflicts (2 of 4 stars). 10 submissions from 10 submitters: Benign (4); Likely benign (6). Last evaluated 2026-09-01.

Conditions:
Cardiovascular phenotype. Identifiers: MedGen CN230736.
Long QT syndrome (LQTS). Identifiers: MedGen C0023976, MeSH D008133, MONDO:0002442. Disease mechanism: loss of function. Inheritance: Various modes of inheritance.
Cardiac arrhythmia, ankyrin-B-related. Also called: ANKYRIN-B SYNDROME. Identifiers: Orphanet 101016, Orphanet 768, MedGen C1970119, MONDO:0010958, OMIM 600919.

Allele frequency attached by ClinVar (database versions not stated): 1000 Genomes Project 30x 0.00031; 1000 Genomes Project 0.00040; ExAC 0.00131; gnomAD 0.00131 and 0.00138; gnomAD exomes 0.00141 and 0.00173; TOPMed 0.00145; ESP Exome Variant Server 0.00146.
gnomAD v4.1: 2,773 of 1,614,124 alleles (0.17%); highest among the groups gnomAD compares: Admixed American, 0.21%; 6 homozygotes.

Submissions (10):

CeGaT Center for Human Genetics Tuebingen
Classification: Likely benign. Last evaluated: 2026-09-01. Review status: criteria provided, single submitter. Criteria: CeGaT Center For Human Genetics Tuebingen Variant Classification Criteria Version 2. Collection method: clinical testing. Allele origin: germline. Affected: yes. Observed: 8 variant alleles.
Comment: ANK2: BP4, BP7

Labcorp Genetics (formerly Invitae), Labcorp
Classification: Benign for Long QT syndrome. Last evaluated: 2026-02-02. Review status: criteria provided, single submitter. Criteria: Invitae Variant Classification Sherloc (09022015). Collection method: clinical testing. Allele origin: germline.

Molecular Diagnostic Laboratory for Inherited Cardiovascular Disease, Montreal Heart Institute
Classification: Benign. Last evaluated: 2025-04-09. Review status: criteria provided, single submitter. Criteria: ACMG Guidelines, 2015. Collection method: clinical testing. Allele origin: germline. Affected: no.
Comment: BS1,BP6,BP7

Blueprint Genetics
Classification: Likely benign. Last evaluated: 2024-11-25. Review status: criteria provided, single submitter. Criteria: ACMG Guidelines, 2015. Collection method: clinical testing. Allele origin: germline.

ARUP Laboratories, Molecular Genetics and Genomics, ARUP Laboratories
Classification: Benign. Last evaluated: 2022-10-25. Review status: criteria provided, single submitter. Criteria: ARUP Molecular Germline Variant Investigation Process 2021. Collection method: clinical testing. Allele origin: germline.

Genome-Nilou Lab
Classification: Benign for Cardiac arrhythmia, ankyrin-B-related. Last evaluated: 2021-12-05. Review status: criteria provided, single submitter. Criteria: ACMG Guidelines, 2015. Collection method: clinical testing. Allele origin: germline. Affected: no.

GeneDx
Classification: Likely benign. Last evaluated: 2021-08-25. Review status: criteria provided, single submitter. Criteria: GeneDx Variant Classification Process June 2021. Collection method: clinical testing. Allele origin: germline. Affected: yes.

Illumina Laboratory Services, Illumina
Classification: Likely benign for Cardiac arrhythmia, ankyrin-B-related. Last evaluated: 2018-01-13. Review status: criteria provided, single submitter. Criteria: ICSL Variant Classification Criteria 13 December 2019. Collection method: clinical testing. Allele origin: germline.
Comment: This variant was observed in the ICSL laboratory as part of a predisposition screen in an ostensibly healthy population. It had not been previously curated by ICSL or reported in the Human Gene Mutation Database (HGMD: prior to June 1st, 2018), and was therefore a candidate for classification through an automated scoring system. Utilizing variant allele frequency, disease prevalence and penetrance estimates, and inheritance mode, an automated score was calculated to assess if this variant is too frequent to cause the disease. Based on the score and internal cut-off values, a variant classified as likely benign is not then subjected to further curation. The score for this variant resulted in a classification of likely benign for this disease.

Ambry Genetics
Classification: Likely benign for Cardiovascular phenotype. Last evaluated: 2015-07-28. Review status: criteria provided, single submitter. Criteria: Ambry Variant Classification Scheme 2023. Collection method: clinical testing. Allele origin: germline.

Breakthrough Genomics
Classification: Likely benign. Review status: criteria provided, single submitter. Criteria: ACMG Guidelines, 2015. Collection method: not provided. Allele origin: germline. Inheritance: Autosomal dominant inheritance. Affected: yes.